The following is an entry in ClinVar:

ClinVar aggregate classification (germline): Uncertain significance (1 of 4 stars; one submission).

Submission:

Labcorp Genetics (formerly Invitae), Labcorp
Classification: Uncertain significance. Last evaluated: 2024-06-19. Review status: criteria provided, single submitter. Criteria: Invitae Variant Classification Sherloc (09022015). Collection method: clinical testing. Allele origin: germline.
Comment: This variant, c.938_949del, results in the deletion of 4 amino acid(s) of the MMP14 protein (p.Thr313_Pro316del), but otherwise preserves the integrity of the reading frame. This variant is not present in population databases (gnomAD no frequency). This variant has not been reported in the literature in individuals affected with MMP14-related conditions. Experimental studies and prediction algorithms are not available or were not evaluated, and the functional significance of this variant is currently unknown. In summary, the available evidence is currently insufficient to determine the role of this variant in disease. Therefore, it has been classified as a Variant of Uncertain Significance.

NM_004995.4(MMP14):c.938_949del (p.Thr313_Pro316del)

Gene: MMP14 (matrix metallopeptidase 14; plus strand). Cytogenetic location: 14q11.2.
Variant type: Deletion.
Coding change: c.938_949del on transcript NM_004995.4 (MANE Select); coding-DNA positions 938 to 949, 12 bases deleted (CCTATGGGCCCA).
Protein change: p.Thr313_Pro316del.
Genome position (GRCh38, 1-based): chr14:22,843,797-22,843,808, CCTATGGGCCCA deleted; deleting any 12 consecutive bases within chr14:22,843,793-22,843,808 gives the same sequence; the c. name uses the placement nearest the transcript's 3' end. VCF-style (leftmost placement, unchanged base first): chr14-22843792-CCCCACCTATGGG-C. GRCh37 (hg19) VCF-style: chr14-23313001-CCCCACCTATGGG-C.
Identifiers: ClinVar variation 3657068 (VCV003657068.2).